The following is an entry in ClinVar:

ClinVar aggregate classification (germline): Uncertain significance (1 of 4 stars; one submission).

Conditions:
Combined immunodeficiency due to MALT1 deficiency. Also called: Immunodeficiency 12. Identifiers: Orphanet 397964, MedGen C3809583, MONDO:0014197, OMIM 615468.

Allele frequency attached by ClinVar (database versions not stated): gnomAD exomes 0.00003.

Submission:

Labcorp Genetics (formerly Invitae), Labcorp
Classification: Uncertain significance for Combined immunodeficiency due to MALT1 deficiency. Last evaluated: 2021-11-05. Review status: criteria provided, single submitter. Criteria: Invitae Variant Classification Sherloc (09022015). Collection method: clinical testing. Allele origin: germline.
Comment: In summary, the available evidence is currently insufficient to determine the role of this variant in disease. Therefore, it has been classified as a Variant of Uncertain Significance. Algorithms developed to predict the effect of missense changes on protein structure and function are either unavailable or do not agree on the potential impact of this missense change (SIFT: "Tolerated"; PolyPhen-2: "Probably Damaging"; Align-GVGD: "Class C0"). ClinVar contains an entry for this variant (Variation ID: 1025958). This variant has not been reported in the literature in individuals affected with MALT1-related conditions. This variant is not present in population databases (gnomAD no frequency). This sequence change replaces glutamine, which is neutral and polar, with lysine, which is basic and polar, at codon 159 of the MALT1 protein (p.Gln159Lys).

NM_006785.4(MALT1):c.475C>A (p.Gln159Lys)

Gene: MALT1 (MALT1 paracaspase; plus strand). Cytogenetic location: 18q21.32.
Variant type: single nucleotide variant.
Coding change: c.475C>A on transcript NM_006785.4 (MANE Select); coding-DNA position 475, C replaced by A.
Protein change: p.Gln159Lys; replaces glutamine 159 with lysine.
Molecular consequence: missense variant.
Genome position (GRCh38, 1-based): chr18:58,696,464, C>A. VCF-style: chr18-58696464-C-A. GRCh37 (hg19) VCF-style: chr18-56363696-C-A.
Other names: c.475C>A, p.Gln159Lys (NM_173844.3); short protein forms Q159K.
Identifiers: ClinVar variation 1025958 (VCV001025958.7), dbSNP rs1406591737, ClinGen allele CA402572625.